The following is an entry in ClinVar:

NM_001849.4(COL6A2):c.533A>C (p.Glu178Ala)

Gene: COL6A2 (collagen type VI alpha 2 chain; plus strand). Cytogenetic location: 21q22.3.
Variant type: single nucleotide variant.
Coding change: c.533A>C on transcript NM_001849.4 (MANE Select); coding-DNA position 533, A replaced by C.
Protein change: p.Glu178Ala; replaces glutamic acid 178 with alanine.
Molecular consequence: missense variant.
Genome position (GRCh38, 1-based): chr21:46,112,396, A>C. VCF-style: chr21-46112396-A-C. GRCh37 (hg19) VCF-style: chr21-47532310-A-C.
Other names: c.533A>C, p.Glu178Ala (NM_058174.3, NM_058175.3); short protein forms E178A.
Identifiers: ClinVar variation 2406420 (VCV002406420.4), dbSNP rs1460872752, ClinGen allele CA410521933.

ClinVar aggregate classification (germline): Uncertain significance. Review status: criteria provided, multiple submitters, no conflicts (2 of 4 stars). 2 submissions from 2 submitters: Uncertain significance (2). Last evaluated 2025-05-28.

Conditions:
Inborn genetic diseases. Identifiers: MedGen C0950123, MeSH D030342.

Submissions (2):

Dasa
Classification: Uncertain significance. Last evaluated: 2025-05-28. Review status: criteria provided, single submitter. Criteria: DASA Assertion Criteria. Collection method: clinical testing. Allele origin: germline.
Comment: NM_001849.4(COL6A2):c.533A>C (p.Glu178Ala) is a missense variant that results in the substitution of glutamic acid with alanine. This variant is absent from population databases. The currently available literature and clinical evidence are not sufficient to establish a definitive association between this variant and the reported condition. Therefore, this variant is classified as a variant of uncertain significance.

Ambry Genetics
Classification: Uncertain significance for Inborn genetic diseases. Last evaluated: 2021-08-12. Review status: criteria provided, single submitter. Criteria: Ambry Variant Classification Scheme 2023. Collection method: clinical testing. Allele origin: germline.